The following is an entry in ClinVar:

NM_000169.3(GLA):c.1177_1185del (p.Lys393_Gly395del)

Genes: GLA (galactosidase alpha; minus strand), RPL36A-HNRNPH2 (RPL36A-HNRNPH2 readthrough; plus strand). Cytogenetic location: Xq22.1.
Variant type: Deletion.
Coding change: c.1177_1185del on transcript NM_000169.3 (MANE Select); coding-DNA positions 1177 to 1185, 9 bases deleted (AAGCTAGGG; older notation c.1177_1185delAAGCTAGGG).
Protein change: p.Lys393_Gly395del.
Molecular consequence: inframe deletion. On other transcripts: non-coding transcript variant (3), intron variant (2).
Genome position (GRCh38, 1-based): chrX:101,397,914-101,397,922, CCCTAGCTT deleted on the plus strand (AAGCTAGGG on the coding strand, the reverse complement: GLA is on the minus strand); deleting any 9 consecutive bases within chrX:101,397,914-101,397,924 gives the same sequence; the c. name uses the placement nearest the transcript's 3' end. VCF-style (leftmost placement, unchanged base first): chrX-101397913-ACCCTAGCTT-A. GRCh37 (hg19) VCF-style: chrX-100652901-ACCCTAGCTT-A.
Other names: c.1300_1308del, p.Lys434_Gly436del (NM_001406747.1); c.300+2459_300+2467del (NM_001199973.2); c.177+6094_177+6102del (NM_001199974.2).
Identifiers: ClinVar variation 4087200 (VCV004087200.2).

ClinVar aggregate classification (germline): Uncertain significance (1 of 4 stars; one submission).

Conditions:
Fabry disease. Also called: ALPHA-GALACTOSIDASE A DEFICIENCY; ANDERSON-FABRY DISEASE; CERAMIDE TRIHEXOSIDASE DEFICIENCY; GLA DEFICIENCY; HEREDITARY DYSTOPIC LIPIDOSIS; Angiokeratoma corporis diffusum. Identifiers: Orphanet 324, MedGen C0002986, MONDO:0010526, OMIM 301500, HP:0001071. Disease mechanism: Fabry disease is due to inactivating mutations in the X-linked GLA gene resulting in deficiency of the enzyme Alpha Galactosidase-A., loss of function.

Submission:

Genomenon, Inc
Classification: Uncertain significance for Fabry disease. Last evaluated: 2026-09-08. Review status: criteria provided, single submitter. Criteria: Genomenon Sequence Variant Interpretation Standards - Updated. Collection method: curation. Allele origin: germline. Affected: yes.
Comment: GLA p.Lys393_Gly395del (c.1177_1185del) is an in-frame deletion that results in the loss of multiple amino acids, from Lysine at codon 393 to Glycine at codon 395. This variant has been observed in at least one proband with clinical features consistent with Fabry disease (PMID:30386727). It is absent or not present at a significant frequency in gnomAD. In conclusion, we classify GLA p.Lys393_Gly395del (c.1177_1185del) as a variant of uncertain significance.

Literature cited by the submitters: PubMed 30386727.